The following is an entry in ClinVar:

ClinVar aggregate classification (germline): Uncertain significance (1 of 4 stars; one submission).

Conditions:
Neuropathy, hereditary sensory and autonomic, type 2A (HSAN2A). Also called: HSAN IIA; WNK1-Related HSAN2 (HSAN2A); ACROOSTEOLYSIS, GIACCAI TYPE; ACROOSTEOLYSIS, NEUROGENIC; MORVAN DISEASE; NEUROPATHY, CONGENITAL SENSORY. Identifiers: Orphanet 970, MedGen C2752089, MONDO:0024309, OMIM 201300.
Pseudohypoaldosteronism type 2C (PHA2C). Also called: Pseudohypoaldosteronism Type IIC. Identifiers: Orphanet 757, Orphanet 88940, MedGen C1840391, MONDO:0013778, OMIM 614492.

Allele frequency attached by ClinVar (database versions not stated): gnomAD exomes below 0.00001; ExAC 0.00001.
gnomAD v4.1: 1 of 1,612,630 alleles (0.000062%); highest among the groups gnomAD compares: Non-Finnish European, 0.000085%; no homozygotes.

Submission:

Labcorp Genetics (formerly Invitae), Labcorp
Classification: Uncertain significance for Neuropathy, hereditary sensory and autonomic, type 2A; Pseudohypoaldosteronism type 2C. Last evaluated: 2023-11-14. Review status: criteria provided, single submitter. Criteria: Invitae Variant Classification Sherloc (09022015). Collection method: clinical testing. Allele origin: germline.
Comment: This sequence change replaces threonine, which is neutral and polar, with serine, which is neutral and polar, at codon 91 of the WNK1 protein (p.Thr91Ser). This variant is present in population databases (rs763414550, gnomAD 0.0009%). This variant has not been reported in the literature in individuals affected with WNK1-related conditions. Advanced modeling of protein sequence and biophysical properties (such as structural, functional, and spatial information, amino acid conservation, physicochemical variation, residue mobility, and thermodynamic stability) performed at Invitae indicates that this missense variant is not expected to disrupt WNK1 protein function with a negative predictive value of 95%. In summary, the available evidence is currently insufficient to determine the role of this variant in disease. Therefore, it has been classified as a Variant of Uncertain Significance.

NM_018979.4(WNK1):c.271A>T (p.Thr91Ser)

Gene: WNK1 (WNK lysine deficient protein kinase 1; plus strand). Cytogenetic location: 12p13.33.
Variant type: single nucleotide variant.
Coding change: c.271A>T on transcript NM_018979.4 (MANE Select); coding-DNA position 271, A replaced by T.
Protein change: p.Thr91Ser; replaces threonine 91 with serine.
Molecular consequence: missense variant.
Genome position (GRCh38, 1-based): chr12:753,836, A>T. VCF-style: chr12-753836-A-T. GRCh37 (hg19) VCF-style: chr12-863002-A-T.
Other names: c.271A>T, p.Thr91Ser (NM_001184985.2, NM_014823.3, NM_213655.5); short protein forms T91S.
Identifiers: ClinVar variation 2928435 (VCV002928435.3), dbSNP rs763414550, ClinGen allele CA6381749.
Genomic context (GRCh38, chr12:753,836, plus strand): 5'-ACCACTACCACCACTGAGCACCGCTTCTTCCGCCGGAGCGTCATCTGTGACTCCAATGCC[A>T]CTGCACTGGAGCTTCCCGGCCTTCCTCTTTCCCTGCCCCAGCCCAGCATCCCCGCGGCTG-3'
Protein context (NP_061852.3, residues 81-101): RRSVICDSNA[Thr91Ser]ALELPGLPLS